The following is an entry in ClinVar:

ClinVar aggregate classification (germline): Uncertain significance (1 of 4 stars; one submission).

gnomAD v4.1: 1 of 1,613,700 alleles (0.000062%); highest among the groups gnomAD compares: Non-Finnish European, 0.000085%; no homozygotes.

Submission:

GeneDx
Classification: Uncertain significance. Last evaluated: 2025-04-25. Review status: criteria provided, single submitter. Criteria: GeneDx Variant Classification Process June 2021. Collection method: clinical testing. Allele origin: germline. Affected: yes.
Comment: Not observed at significant frequency in large population cohorts (gnomAD); In silico analysis indicates that this missense variant does not alter protein structure/function; Has not been previously published as pathogenic or benign to our knowledge

NM_014159.7(SETD2):c.2565C>G (p.Ser855Arg)

Gene: SETD2 (SET domain containing 2, histone lysine methyltransferase; minus strand). Cytogenetic location: 3p21.31.
Variant type: single nucleotide variant.
Coding change: c.2565C>G on transcript NM_014159.7 (MANE Select); coding-DNA position 2565, C replaced by G.
Protein change: p.Ser855Arg; replaces serine 855 with arginine.
Molecular consequence: missense variant. On other transcripts: non-coding transcript variant (1).
Genome position (GRCh38, 1-based): chr3:47,122,071, G>C on the plus strand (C>G on the coding strand, the complement: SETD2 is on the minus strand). VCF-style: chr3-47122071-G-C. GRCh37 (hg19) VCF-style: chr3-47163561-G-C.
Other names: c.2433C>G, p.Ser811Arg (NM_001349370.3); short protein forms S811R, S855R.
Identifiers: ClinVar variation 4527654 (VCV004527654.1).
Genomic context (GRCh38, chr3:47,122,071, plus strand): 5'-CCCAATAGGTTGATATAAATCATCAAAATGATTAACAGAAGCTGAACTAGTGCTACCGAT[G>C]CTCTGCTTATATTCTTCACATGCAAATTTTGAGTGATCTGTCAAATTTCTACTATCACAT-3'
Protein context (NP_054878.5, residues 845-865): SKFACEEYKQ[Ser855Arg]IGSTSSASVN